The following is an entry in ClinVar:

ClinVar aggregate classification (germline): Pathogenic/Likely pathogenic. Review status: criteria provided, multiple submitters, no conflicts (2 of 4 stars). 3 submissions from 3 submitters: Pathogenic (2); Likely pathogenic (1). Last evaluated 2023-11-27.

Conditions:
Autosomal recessive congenital ichthyosis 4A (LI2). Also called: ICHTHYOSIS CONGENITA IIB. Identifiers: Orphanet 313, MedGen C1832550, MONDO:0011026, OMIM 601277.

gnomAD v4.1: 13 of 1,613,580 alleles (0.00081%); highest among the groups gnomAD compares: Non-Finnish European, 0.0011%; no homozygotes.

Submissions (3):

Institute of Human Genetics, University of Leipzig Medical Center
Classification: Likely pathogenic for Autosomal recessive congenital ichthyosis 4A. Last evaluated: 2023-11-27. Review status: criteria provided, single submitter. Criteria: ACMG Guidelines, 2015. Collection method: clinical testing. Allele origin: unknown. Inheritance: Autosomal recessive inheritance. Affected: yes.
Comment: Criteria applied: PVS1,PM2_SUP

Labcorp Genetics (formerly Invitae), Labcorp
Classification: Pathogenic. Last evaluated: 2023-03-29. Review status: criteria provided, single submitter. Criteria: Invitae Variant Classification Sherloc (09022015). Collection method: clinical testing. Allele origin: germline.
Comment: For these reasons, this variant has been classified as Pathogenic. ClinVar contains an entry for this variant (Variation ID: 596779). This premature translational stop signal has been observed in individual(s) with clinical features of harlequin ichthyosis (PMID: 16902423, 27025581). This variant is not present in population databases (gnomAD no frequency). This sequence change creates a premature translational stop signal (p.Trp199*) in the ABCA12 gene. It is expected to result in an absent or disrupted protein product. Loss-of-function variants in ABCA12 are known to be pathogenic (PMID: 20672373).

Eurofins Ntd Llc (ga)
Classification: Pathogenic. Last evaluated: 2018-03-30. Review status: criteria provided, single submitter. Criteria: EGL ClinVar v180209 classification definitions. Collection method: clinical testing. Allele origin: germline. Observed: 3 variant alleles, 3 heterozygotes.

Literature cited by the submitters: PubMed 16902423 (cited by Labcorp Genetics (formerly Invitae), Labcorp); PubMed 27025581 (cited by Labcorp Genetics (formerly Invitae), Labcorp); PubMed 20672373 (cited by Labcorp Genetics (formerly Invitae), Labcorp).

NM_173076.3(ABCA12):c.596G>A (p.Trp199Ter)

Gene: ABCA12 (ATP binding cassette subfamily A member 12; minus strand). Cytogenetic location: 2q35.
Variant type: single nucleotide variant.
Coding change: c.596G>A on transcript NM_173076.3 (MANE Select); coding-DNA position 596, G replaced by A.
Protein change: p.Trp199Ter; replaces tryptophan 199 with a stop codon.
Molecular consequence: nonsense. On other transcripts: non-coding transcript variant (1).
Genome position (GRCh38, 1-based): chr2:215,049,723, C>T on the plus strand (G>A on the coding strand, the complement: ABCA12 is on the minus strand). VCF-style: chr2-215049723-C-T. GRCh37 (hg19) VCF-style: chr2-215914447-C-T.
Other names: short protein forms W199*.
Identifiers: ClinVar variation 596779 (VCV000596779.9), dbSNP rs1187032187, ClinGen allele CA350454544.
Genomic context (GRCh38, chr2:215,049,723, plus strand): 5'-TCTAAAAGGGTCATGTTAGAAAGGCAAAATTTGTTAAAAACATTTCTTCCTAGAAAGGTC[C>T]AAGAGAAGGCATCATCCACAATGTATCCTGAATAGCTGTCACATAGTTCTCTTCGTATAT-3'